The following is an entry in ClinVar:

ClinVar aggregate classification (germline): Benign. Review status: criteria provided, multiple submitters, no conflicts (2 of 4 stars). 3 submissions from 3 submitters: Benign (2). 1 of the submissions does not count toward it. Last evaluated 2025-12-18.

Conditions:
CRKL-related disorder. Also called: CRKL-related condition.

Allele frequency attached by ClinVar (database versions not stated): gnomAD exomes 0.00030 and 0.00079; ExAC 0.00102; 1000 Genomes Project 0.00300; gnomAD 0.00312 and 0.00350; 1000 Genomes Project 30x 0.00328; ESP Exome Variant Server 0.00331; TOPMed 0.00360.
gnomAD v4.1: 932 of 1,614,134 alleles (0.058%); highest among the groups gnomAD compares: African/African-American, 1.1%; 3 homozygotes.

Submissions (3):

Labcorp Genetics (formerly Invitae), Labcorp
Classification: Benign. Last evaluated: 2025-12-18. Review status: criteria provided, single submitter. Criteria: Invitae Variant Classification Sherloc (09022015). Collection method: clinical testing. Allele origin: germline.

Breakthrough Genomics
Classification: Benign. Review status: criteria provided, single submitter. Criteria: ACMG Guidelines, 2015. Collection method: not provided. Allele origin: germline. Inheritance: Unknown mechanism. Affected: yes.

PreventionGenetics, part of Exact Sciences
Classification: Benign for CRKL-related condition. Last evaluated: 2019-06-27. Review status: no assertion criteria provided. Collection method: clinical testing. Allele origin: germline. Not counted in ClinVar's aggregate classification.
Comment: This variant is classified as benign based on ACMG/AMP sequence variant interpretation guidelines (Richards et al. 2015 PMID: 25741868, with internal and published modifications).

NM_005207.4(CRKL):c.36C>T (p.Ser12=)

Gene: CRKL (CRK like proto-oncogene, adaptor protein; plus strand). Cytogenetic location: 22q11.21.
Variant type: single nucleotide variant.
Coding change: c.36C>T on transcript NM_005207.4 (MANE Select); coding-DNA position 36, C replaced by T.
Protein change: p.Ser12=; no amino-acid change (serine 12 retained).
Molecular consequence: synonymous variant. On other transcripts: non-coding transcript variant (1).
Genome position (GRCh38, 1-based): chr22:20,917,970, C>T. VCF-style: chr22-20917970-C-T. GRCh37 (hg19) VCF-style: chr22-21272258-C-T.
Identifiers: ClinVar variation 785680 (VCV000785680.10), dbSNP rs150673692, ClinGen allele CA10117268.
Genomic context (GRCh38, chr22:20,917,970, plus strand): 5'-GCCGCAGAGTCCCCGGTCCAACACCATGTCCTCCGCCAGGTTCGACTCCTCGGACCGCTC[C>T]GCCTGGTATATGGGGCCGGTGTCTCGCCAGGAGGCGCAGACCCGGCTCCAGGGCCAGCGC-3'
Protein context (NP_005198.1, residues 2-22): SSARFDSSDR[Ser12=]AWYMGPVSRQ